The following is an entry in ClinVar:

NM_130837.3(OPA1):c.2220G>A (p.Met740Ile)

Gene: OPA1 (OPA1 mitochondrial dynamin like GTPase; plus strand). Cytogenetic location: 3q29.
Variant type: single nucleotide variant.
Coding change: c.2220G>A on transcript NM_130837.3 (MANE Select); coding-DNA position 2220, G replaced by A.
Protein change: p.Met740Ile; replaces methionine 740 with isoleucine.
Molecular consequence: missense variant.
Genome position (GRCh38, 1-based): chr3:193,657,121, G>A. VCF-style: chr3-193657121-G-A. GRCh37 (hg19) VCF-style: chr3-193374910-G-A.
Other names: c.1686G>A, p.Met562Ile (NM_001354663.2); c.1683G>A, p.Met561Ile (NM_001354664.2); c.2055G>A, p.Met685Ile (NM_015560.3); c.1947G>A, p.Met649Ile (NM_130831.3); c.2001G>A, p.Met667Ile (NM_130832.3); c.2058G>A, p.Met686Ile (NM_130833.3); c.2109G>A, p.Met703Ile (NM_130834.3); c.2112G>A, p.Met704Ile (NM_130835.3); and 1 more; short protein forms M562I, M704I, M722I, M649I, M667I, M685I, M561I, M686I.
Identifiers: ClinVar variation 1464816 (VCV001464816.8), dbSNP rs2109163377, ClinGen allele CA355791445.

ClinVar aggregate classification (germline): Uncertain significance (1 of 4 stars; one submission).

Submission:

Labcorp Genetics (formerly Invitae), Labcorp
Classification: Uncertain significance. Last evaluated: 2021-07-31. Review status: criteria provided, single submitter. Criteria: Invitae Variant Classification Sherloc (09022015). Collection method: clinical testing. Allele origin: germline.
Comment: In summary, the available evidence is currently insufficient to determine the role of this variant in disease. Therefore, it has been classified as a Variant of Uncertain Significance. Advanced modeling of protein sequence and biophysical properties (such as structural, functional, and spatial information, amino acid conservation, physicochemical variation, residue mobility, and thermodynamic stability) performed at Invitae indicates that this missense variant is not expected to disrupt OPA1 protein function. This variant has not been reported in the literature in individuals with OPA1-related conditions. This variant is not present in population databases (ExAC no frequency). This sequence change replaces methionine with isoleucine at codon 685 of the OPA1 protein (p.Met685Ile). The methionine residue is moderately conserved and there is a small physicochemical difference between methionine and isoleucine.